The following is an entry in ClinVar:

ClinVar aggregate classification (germline): Uncertain significance (1 of 4 stars; one submission).

Conditions:
Genitopatellar syndrome (GTPTS). Also called: Genitopatellar syndrome (GPS); ABSENT PATELLAE, SCROTAL HYPOPLASIA, RENAL ANOMALIES, FACIAL DYSMORPHISM, AND MENTAL RETARDATION. Identifiers: Orphanet 85201, MedGen C1853566, MONDO:0011640, OMIM 606170.

Submission:

Labcorp Genetics (formerly Invitae), Labcorp
Classification: Uncertain significance for Genitopatellar syndrome. Last evaluated: 2025-04-19. Review status: criteria provided, single submitter. Criteria: Invitae Variant Classification Sherloc (09022015). Collection method: clinical testing. Allele origin: germline.
Comment: This sequence change replaces phenylalanine, which is neutral and non-polar, with serine, which is neutral and polar, at codon 774 of the KAT6B protein (p.Phe774Ser). This variant is not present in population databases (gnomAD no frequency). This variant has not been reported in the literature in individuals affected with KAT6B-related conditions. Invitae Evidence Modeling of protein sequence and biophysical properties (such as structural, functional, and spatial information, amino acid conservation, physicochemical variation, residue mobility, and thermodynamic stability) indicates that this missense variant is not expected to disrupt KAT6B protein function with a negative predictive value of 80%. In summary, the available evidence is currently insufficient to determine the role of this variant in disease. Therefore, it has been classified as a Variant of Uncertain Significance.

NM_012330.4(KAT6B):c.2321T>C (p.Phe774Ser)

Gene: KAT6B (lysine acetyltransferase 6B; plus strand). Cytogenetic location: 10q22.2.
Variant type: single nucleotide variant.
Coding change: c.2321T>C on transcript NM_012330.4 (MANE Select); coding-DNA position 2321, T replaced by C.
Protein change: p.Phe774Ser; replaces phenylalanine 774 with serine.
Molecular consequence: missense variant. On other transcripts: intron variant (2).
Genome position (GRCh38, 1-based): chr10:74,981,876, T>C. VCF-style: chr10-74981876-T-C. GRCh37 (hg19) VCF-style: chr10-76741634-T-C.
Other names: c.1445T>C, p.Phe482Ser (NM_001370132.1, NM_001256469.2, NM_001370139.1 and 3 more transcripts); c.398T>C, p.Phe133Ser (NM_001370134.1); c.2321T>C, p.Phe774Ser (NM_001370136.1, NM_001370137.1); c.1772T>C, p.Phe591Ser (NM_001370138.1, NM_001256468.2); c.1256T>C, p.Phe419Ser (NM_001370143.1, NM_001370144.1); c.847-7143T>C (NM_001370133.1); c.193-7143T>C (NM_001370135.1); short protein forms F419S, F774S, F133S, F482S, F591S.
Identifiers: ClinVar variation 4767160 (VCV004767160.1).
Genomic context (GRCh38, chr10:74,981,876, plus strand): 5'-GTCTTAAATATATGAAAAGTAAAAATATTTTGCTAAGACACTCCAAGAAGTGTGGATGGT[T>C]TCATCCTCCAGCAAATGAAATTTACCGAAGGAAAGACCTTTCAGTATTTGAGGTAAGCGC-3'
Protein context (NP_036462.2, residues 764-784): LLRHSKKCGW[Phe774Ser]HPPANEIYRR